The following is an entry in ClinVar:

ClinVar aggregate classification (germline): Uncertain significance. Review status: criteria provided, multiple submitters, no conflicts (2 of 4 stars). 3 submissions from 3 submitters: Uncertain significance (3). Last evaluated 2026-01-27.

Conditions:
Hereditary breast ovarian cancer syndrome. Also called: BRCA1- and BRCA2-Associated Hereditary Breast and Ovarian Cancer; Hereditary breast and/or ovarian cancer syndrome; Hereditary breast and ovarian cancer syndrome; Hereditary breast and ovarian cancer; Hereditary breast and ovarian cancer syndrome (HBOC); Breast and ovarian cancer. Identifiers: Orphanet 145, MedGen C0677776, MeSH D061325, MONDO:0003582. Disease mechanism: loss of function.

Allele frequency attached by ClinVar (database versions not stated): gnomAD exomes below 0.00001; gnomAD 0.00001.
gnomAD v4.1: 2 of 456,126 alleles (0.00044%); highest among the groups gnomAD compares: Middle Eastern, 0.033%; no homozygotes.

Submissions (3):

Labcorp Genetics (formerly Invitae), Labcorp
Classification: Uncertain significance for Hereditary breast ovarian cancer syndrome. Last evaluated: 2026-01-27. Review status: criteria provided, single submitter. Criteria: Invitae Variant Classification Sherloc (09022015). Collection method: clinical testing. Allele origin: germline.
Comment: This sequence change falls in intron 1 of the BRCA1 gene. It does not directly change the encoded amino acid sequence of the BRCA1 protein. This variant is not present in population databases (gnomAD no frequency). This variant has not been reported in the literature in individuals affected with BRCA1-related conditions. ClinVar contains an entry for this variant (Variation ID: 422596). RNA analysis provides insufficient evidence to determine the effect of this variant on BRCA1 splicing (internal data). In summary, the available evidence is currently insufficient to determine the role of this variant in disease. Therefore, it has been classified as a Variant of Uncertain Significance.

Quest Diagnostics Nichols Institute San Juan Capistrano
Classification: Uncertain significance. Last evaluated: 2018-09-13. Review status: criteria provided, single submitter. Criteria: Quest Diagnostics criteria. Collection method: clinical testing. Allele origin: germline.

GeneDx
Classification: Uncertain significance. Last evaluated: 2017-08-02. Review status: criteria provided, single submitter. Criteria: GeneDx Variant Classification (06012015). Collection method: clinical testing. Allele origin: germline. Affected: yes.
Comment: This variant is denoted BRCA1 c.-20+3A>G or IVS1+3A>G and consists of an A>G nucleotide substitution at the +3 position of intron 1 of the BRCA1 gene. Using alternate nomenclature, this variant would be defined as BRCA1 99+3A>G. In silico models predict this variant to damage or destroy the nearby natural donor site and to possibly cause abnormal gene splicing; however, in the absence of RNA or functional studies, the actual effect of this variant is unknown.? This variant has not, to our knowledge, been published in the literature as pathogenic or benign. BRCA1 c.-20+3A>G was not observed in large population cohorts (Lek 2016, The 1000 Genomes Consortium 2015, NHLBI Exome Sequencing Project). The adenine (A) nucleotide that is altered is not conserved across species. Based on currently available information, it is unclear whether BRCA1 c.-20+3A>G is pathogenic or benign. We consider it to be a variant of uncertain significance.

NM_007294.4(BRCA1):c.-20+3A>G

Genes: BRCA1 (BRCA1 DNA repair associated; minus strand), LOC111589215 (BRCA1 promoter region; plus strand). Cytogenetic location: 17q21.31.
Variant type: single nucleotide variant.
Coding change: c.-20+3A>G on transcript NM_007294.4 (MANE Select); 3 bases into the intron after 20 bases upstream of the start codon, A replaced by G.
Molecular consequence: intron variant. On other transcripts: non-coding transcript variant (1).
Genome position (GRCh38, 1-based): chr17:43,125,268, T>C on the plus strand (A>G on the coding strand, the complement: BRCA1 is on the minus strand). VCF-style: chr17-43125268-T-C. GRCh37 (hg19) VCF-style: chr17-41277285-T-C.
Other names: c.-107+9A>G (NM_007297.4); c.-20+9A>G (NM_007299.4); c.-20+3A>G (NM_007300.4).
Identifiers: ClinVar variation 422596 (VCV000422596.18), dbSNP rs1064795882, ClinGen allele CA16620449.